The following is an entry in ClinVar:

ClinVar aggregate classification (germline): Uncertain significance (1 of 4 stars; one submission).

Allele frequency attached by ClinVar (database versions not stated): gnomAD exomes below 0.00001 and 0.00001; gnomAD 0.00001; ExAC 0.00002.
gnomAD v4.1: 7 of 1,614,070 alleles (0.00043%); highest among the groups gnomAD compares: African/African-American, 0.0013%; no homozygotes.

Submission:

Labcorp Genetics (formerly Invitae), Labcorp
Classification: Uncertain significance. Last evaluated: 2023-01-14. Review status: criteria provided, single submitter. Criteria: Invitae Variant Classification Sherloc (09022015). Collection method: clinical testing. Allele origin: germline.
Comment: In summary, the available evidence is currently insufficient to determine the role of this variant in disease. Therefore, it has been classified as a Variant of Uncertain Significance. Algorithms developed to predict the effect of missense changes on protein structure and function are either unavailable or do not agree on the potential impact of this missense change (SIFT: "Deleterious"; PolyPhen-2: "Benign"; Align-GVGD: "Class C0"). ClinVar contains an entry for this variant (Variation ID: 1443480). This variant has not been reported in the literature in individuals affected with REST-related conditions. This variant is present in population databases (rs763356980, gnomAD 0.004%). This sequence change replaces proline, which is neutral and non-polar, with serine, which is neutral and polar, at codon 798 of the REST protein (p.Pro798Ser).

NM_005612.5(REST):c.2392C>T (p.Pro798Ser)

Gene: REST (RE1 silencing transcription factor; plus strand). Cytogenetic location: 4q12.
Variant type: single nucleotide variant.
Coding change: c.2392C>T on transcript NM_005612.5 (MANE Select); coding-DNA position 2392, C replaced by T.
Protein change: p.Pro798Ser; replaces proline 798 with serine.
Molecular consequence: missense variant.
Genome position (GRCh38, 1-based): chr4:56,931,250, C>T. VCF-style: chr4-56931250-C-T. GRCh37 (hg19) VCF-style: chr4-57797416-C-T.
Other names: c.2392C>T, p.Pro798Ser (NM_001193508.2, NM_001363453.3); short protein forms P798S.
Identifiers: ClinVar variation 1443480 (VCV001443480.8), dbSNP rs763356980, ClinGen allele CA2932475.